The following is an entry in ClinVar:

NM_198053.3(CD247):c.58+6G>T

Gene: CD247 (CD247 molecule; minus strand). Cytogenetic location: 1q24.2.
Variant type: single nucleotide variant.
Coding change: c.58+6G>T on transcript NM_198053.3 (MANE Select); 6 bases into the intron after coding-DNA position 58, G replaced by T.
Molecular consequence: intron variant.
Genome position (GRCh38, 1-based): chr1:167,518,402, C>A on the plus strand (G>T on the coding strand, the complement: CD247 is on the minus strand). VCF-style: chr1-167518402-C-A. GRCh37 (hg19) VCF-style: chr1-167487639-C-A.
Other names: c.58+6G>T (NM_000734.4, NM_001378516.1, NM_001378515.1).
Identifiers: ClinVar variation 2085064 (VCV002085064.3), dbSNP rs1470408203, ClinGen allele CA527119260.

ClinVar aggregate classification (germline): Uncertain significance. Review status: criteria provided, multiple submitters, no conflicts (2 of 4 stars). 2 submissions from 2 submitters: Uncertain significance (2). Last evaluated 2024-01-03.

Conditions:
Immunodeficiency 25. Also called: Immunodeficiency due to defect in cd3-zeta, somatic. Identifiers: MedGen C1857798, MONDO:0012426, OMIM 610163.

Allele frequency attached by ClinVar (database versions not stated): gnomAD 0.00001; TOPMed 0.00002.
gnomAD v4.1: 56 of 1,613,976 alleles (0.0035%); highest among the groups gnomAD compares: Non-Finnish European, 0.0042%; no homozygotes.

Submissions (2):

Blueprint Genetics
Classification: Uncertain significance. Last evaluated: 2024-01-03. Review status: criteria provided, single submitter. Criteria: ACMG Guidelines, 2015. Collection method: clinical testing. Allele origin: germline.

Labcorp Genetics (formerly Invitae), Labcorp
Classification: Uncertain significance for Immunodeficiency 25. Last evaluated: 2023-10-16. Review status: criteria provided, single submitter. Criteria: Invitae Variant Classification Sherloc (09022015). Collection method: clinical testing. Allele origin: germline.
Comment: This sequence change falls in intron 1 of the CD247 gene. It does not directly change the encoded amino acid sequence of the CD247 protein. It affects a nucleotide within the consensus splice site. This variant is present in population databases (no rsID available, gnomAD 0.003%). This variant has not been reported in the literature in individuals affected with CD247-related conditions. ClinVar contains an entry for this variant (Variation ID: 2085064). Variants that disrupt the consensus splice site are a relatively common cause of aberrant splicing (PMID: 17576681, 9536098). Algorithms developed to predict the effect of sequence changes on RNA splicing suggest that this variant is not likely to affect RNA splicing. In summary, the available evidence is currently insufficient to determine the role of this variant in disease. Therefore, it has been classified as a Variant of Uncertain Significance.

Literature cited by the submitters: PubMed 17576681 (cited by Labcorp Genetics (formerly Invitae), Labcorp); PubMed 9536098 (cited by Labcorp Genetics (formerly Invitae), Labcorp).